The following is an entry in ClinVar:

NM_001283009.2(RTEL1):c.3062A>T (p.His1021Leu)

Genes: RTEL1-TNFRSF6B (RTEL1-TNFRSF6B readthrough (NMD candidate); plus strand), RTEL1 (regulator of telomere elongation helicase 1; plus strand). Cytogenetic location: 20q13.33.
Variant type: single nucleotide variant.
Coding change: c.3062A>T on transcript NM_001283009.2 (MANE Select); coding-DNA position 3062, A replaced by T.
Protein change: p.His1021Leu; replaces histidine 1021 with leucine.
Molecular consequence: missense variant. On other transcripts: non-coding transcript variant (1).
Genome position (GRCh38, 1-based): chr20:63,694,441, A>T. VCF-style: chr20-63694441-A-T. GRCh37 (hg19) VCF-style: chr20-62325794-A-T.
Other names: c.2393A>T, p.His798Leu (NM_001283010.1); c.3062A>T, p.His1021Leu (NM_016434.4); c.3134A>T, p.His1045Leu (NM_032957.5); short protein forms H1021L, H1045L, H798L.
Identifiers: ClinVar variation 1407594 (VCV001407594.9), dbSNP rs1345368614, ClinGen allele CA409684565.

ClinVar aggregate classification (germline): Uncertain significance. Review status: criteria provided, multiple submitters, no conflicts (2 of 4 stars). 2 submissions from 2 submitters: Uncertain significance (2). Last evaluated 2025-02-15.

Conditions:
Pulmonary fibrosis and/or bone marrow failure, Telomere-related, 3. Also called: PULMONARY FIBROSIS AND/OR BONE MARROW FAILURE SYNDROME, TELOMERE-RELATED, 3. Identifiers: Orphanet 2032, MedGen C4225346, MONDO:0014613, OMIM 616373.
Dyskeratosis congenita, autosomal recessive 5 (DKCB5). Identifiers: MedGen C3554656, MONDO:0014076, OMIM 615190.
Inborn genetic diseases. Identifiers: MedGen C0950123, MeSH D030342.

Submissions (2):

Ambry Genetics
Classification: Uncertain significance for Inborn genetic diseases. Last evaluated: 2025-02-15. Review status: criteria provided, single submitter. Criteria: Ambry Variant Classification Scheme 2023. Collection method: clinical testing. Allele origin: germline.
Comment: The p.H1021L variant (also known as c.3062A>T), located in coding exon 30 of the RTEL1 gene, results from an A to T substitution at nucleotide position 3062. The histidine at codon 1021 is replaced by leucine, an amino acid with similar properties. This amino acid position is conserved. In addition, the in silico prediction for this alteration is inconclusive. Based on the available evidence, the clinical significance of this variant remains unclear.

Labcorp Genetics (formerly Invitae), Labcorp
Classification: Uncertain significance for Dyskeratosis congenita, autosomal recessive 5; Pulmonary fibrosis and/or bone marrow failure, Telomere-related, 3. Last evaluated: 2022-03-13. Review status: criteria provided, single submitter. Criteria: Invitae Variant Classification Sherloc (09022015). Collection method: clinical testing. Allele origin: germline.
Comment: In summary, the available evidence is currently insufficient to determine the role of this variant in disease. Therefore, it has been classified as a Variant of Uncertain Significance. Algorithms developed to predict the effect of missense changes on protein structure and function (SIFT, PolyPhen-2, Align-GVGD) all suggest that this variant is likely to be tolerated. This variant has not been reported in the literature in individuals affected with RTEL1-related conditions. This variant is not present in population databases (gnomAD no frequency). This sequence change replaces histidine, which is basic and polar, with leucine, which is neutral and non-polar, at codon 1021 of the RTEL1 protein (p.His1021Leu).